The following is an entry in ClinVar:

NM_013275.6(ANKRD11):c.5186C>T (p.Ala1729Val)

Gene: ANKRD11 (ankyrin repeat domain 11; minus strand). Cytogenetic location: 16q24.3.
Variant type: single nucleotide variant.
Coding change: c.5186C>T on transcript NM_013275.6 (MANE Select); coding-DNA position 5186, C replaced by T.
Protein change: p.Ala1729Val; replaces alanine 1729 with valine.
Molecular consequence: missense variant.
Genome position (GRCh38, 1-based): chr16:89,281,356, G>A on the plus strand (C>T on the coding strand, the complement: ANKRD11 is on the minus strand). VCF-style: chr16-89281356-G-A. GRCh37 (hg19) VCF-style: chr16-89347764-G-A.
Other names: c.5186C>T, p.Ala1729Val (NM_001256182.2, NM_001256183.2); short protein forms A1729V.
Identifiers: ClinVar variation 4858705 (VCV004858705.1).
Genomic context (GRCh38, chr16:89,281,356, plus strand): 5'-GGCACGGGCGTGGAGTGCTGCGAGTCGGCGCAGTCGAACACGAGGTCCGCGTAGTCATCG[G>A]CGCTGCAGGACGGGGTCCTGGGCGTGTGCATCACCTCCTCGTAGCTGGGGCAGGATAGCA-3'
Protein context (NP_037407.4, residues 1719-1739): MHTPRTPSCS[Ala1729Val]DDYADLVFDC

ClinVar aggregate classification (germline): Uncertain significance (1 of 4 stars; one submission).

Conditions:
Inborn genetic diseases. Identifiers: MedGen C0950123, MeSH D030342.

gnomAD v4.1: 1 of 1,611,280 alleles (0.000062%); highest among the groups gnomAD compares: African/African-American, 0.0013%; no homozygotes.

Submission:

Ambry Genetics
Classification: Uncertain significance for Inborn genetic diseases. Last evaluated: 2026-04-01. Review status: criteria provided, single submitter. Criteria: Ambry Variant Classification Scheme 2023. Collection method: clinical testing. Allele origin: germline.
Comment: The c.5186C>T (p.A1729V) alteration is located in exon 9 (coding exon 7) of the ANKRD11 gene. This alteration results from a C to T substitution at nucleotide position 5186, causing the alanine (A) at amino acid position 1729 to be replaced by a valine (V). Based on data from gnomAD, the T allele has an overall frequency of <0.001% (1/249128) total alleles studied. The highest observed frequency was <0.001% (/) of alleles. Based on insufficient or conflicting evidence, the clinical significance of this alteration remains unclear.